The following is an entry in ClinVar:

ClinVar aggregate classification (germline): Pathogenic/Likely pathogenic. Review status: criteria provided, multiple submitters, no conflicts (2 of 4 stars). 8 submissions from 8 submitters: Pathogenic (5); Likely pathogenic (3). Last evaluated 2025-07-22.

Conditions:
Hereditary breast ovarian cancer syndrome. Also called: Breast and ovarian cancer; BRCA1- and BRCA2-Associated Hereditary Breast and Ovarian Cancer; Hereditary breast and ovarian cancer syndrome (HBOC); Hereditary breast and ovarian cancer; Hereditary breast and/or ovarian cancer syndrome; Hereditary breast and ovarian cancer syndrome. Identifiers: Orphanet 145, MedGen C0677776, MeSH D061325, MONDO:0003582. Disease mechanism: loss of function.
Hereditary cancer-predisposing syndrome. Also called: Tumor predisposition; Neoplastic Syndromes, Hereditary; Hereditary neoplastic syndrome; Hereditary Cancer Syndrome. Identifiers: Orphanet 140162, MedGen C0027672, MeSH D009386, MONDO:0015356.
Familial cancer of breast. Also called: Hereditary breast cancer; hereditary breast carcinoma; BREAST CANCER, FAMILIAL. Identifiers: Orphanet 227535, MedGen C0346153, MONDO:0016419, OMIM 114480. Disease mechanism: loss of function.

Submissions (8):

Labcorp Genetics (formerly Invitae), Labcorp
Classification: Pathogenic for Familial cancer of breast. Last evaluated: 2025-07-22. Review status: criteria provided, single submitter. Criteria: Invitae Variant Classification Sherloc (09022015). Collection method: clinical testing. Allele origin: germline.
Comment: This sequence change creates a premature translational stop signal (p.Ile76Metfs*4) in the PALB2 gene. It is expected to result in an absent or disrupted protein product. Loss-of-function variants in PALB2 are known to be pathogenic (PMID: 17200668, 17200671, 17200672, 24136930, 25099575). This variant is not present in population databases (gnomAD no frequency). This variant has not been reported in the literature in individuals affected with PALB2-related conditions. ClinVar contains an entry for this variant (Variation ID: 496464). For these reasons, this variant has been classified as Pathogenic.

Center for Genomic Medicine, Rigshospitalet, Copenhagen University Hospital
Classification: Likely pathogenic. Last evaluated: 2025-03-04. Review status: criteria provided, single submitter. Criteria: ACMG Guidelines, 2015. Collection method: clinical testing. Allele origin: germline.

Women's Health and Genetics/Laboratory Corporation of America, LabCorp
Classification: Pathogenic for Hereditary breast ovarian cancer syndrome. Last evaluated: 2024-10-21. Review status: criteria provided, single submitter. Criteria: LabCorp Variant Classification Summary - May 2015. Collection method: clinical testing. Allele origin: germline.
Comment: Variant summary: PALB2 c.228_229delAT (p.Ile76MetfsX4) results in a premature termination codon, predicted to cause a truncation of the encoded protein or absence of the protein due to nonsense mediated decay, which are commonly known mechanisms for disease. The variant was absent in 245172 control chromosomes. c.228_229delAT has been reported in the literature in individuals affected with Hereditary Breast And Ovarian Cancer Syndrome (Butz_2023). To our knowledge, no experimental evidence demonstrating an impact on protein function has been reported. The following publication have been ascertained in the context of this evaluation (PMID: 37686625).ClinVar contains an entry for this variant (Variation ID: 496464). Based on the evidence outlined above, the variant was classified as pathogenic.

Ambry Genetics
Classification: Pathogenic for Hereditary cancer-predisposing syndrome. Last evaluated: 2024-03-12. Review status: criteria provided, single submitter. Criteria: Ambry Variant Classification Scheme 2023. Collection method: clinical testing. Allele origin: germline.
Comment: The c.228_229delAT pathogenic mutation, located in coding exon 4 of the PALB2 gene, results from a deletion of two nucleotides at nucleotide positions 228 to 229, causing a translational frameshift with a predicted alternate stop codon (p.I76Mfs*4). This mutation has been reported in breast cancer cohorts (Park JS et al. Cancer Res Treat, 2022 Oct;54:1099-1110; Butz H et al. Cancers (Basel), 2023 Aug;15). In addition to the clinical data presented in the literature, this alteration is expected to result in loss of function by premature protein truncation or nonsense-mediated mRNA decay. As such, this alteration is interpreted as a disease-causing mutation.

Myriad Genetics, Inc.
Classification: Pathogenic for Familial cancer of breast. Last evaluated: 2023-09-06. Review status: criteria provided, single submitter. Criteria: Myriad Autosomal Dominant, Autosomal Recessive and X-Linked Classification Criteria (2023). Collection method: clinical testing. Allele origin: unknown.
Comment: This variant is considered pathogenic. This variant creates a frameshift predicted to result in premature protein truncation.

Baylor Genetics
Classification: Likely pathogenic for Familial cancer of breast. Last evaluated: 2022-11-17. Review status: criteria provided, single submitter. Criteria: ACMG Guidelines, 2015. Collection method: clinical testing. Allele origin: unknown.

Color Diagnostics, LLC DBA Color Health
Classification: Pathogenic for Hereditary cancer-predisposing syndrome. Last evaluated: 2022-05-23. Review status: criteria provided, single submitter. Criteria: ACMG Guidelines, 2015. Collection method: clinical testing. Allele origin: germline.
Comment: This variant deletes 2 nucleotides in exon 4 of the PALB2 gene, creating a frameshift and premature translation stop signal. This variant is expected to result in an absent or non-functional protein product. To our knowledge, this variant has not been reported in individuals affected with hereditary cancer in the literature. This variant has not been identified in the general population by the Genome Aggregation Database (gnomAD). Loss of PALB2 function is a known mechanism of disease. Based on the available evidence, this variant is classified as Pathogenic.

Human Genome Sequencing Center Clinical Lab, Baylor College of Medicine
Classification: Likely pathogenic for Familial cancer of breast. Last evaluated: 2018-04-25. Review status: criteria provided, single submitter. Criteria: ACMG Guidelines, 2015. Collection method: clinical testing. Allele origin: germline.
Comment: This c.228_229delAT (p.Ile76Metfs*4) variant in the PALB gene has not been reported previously nor observed in general population according to gnomad database. This variant is predicted to cause loss of function of normal protein through mRNA decay or producing a truncated protein, which is a known disease mechanism for this gene. Based on current evidences, this c.228_229delAT (p.Ile76Metfs*4) variant in the PALB gene is classified as likely pathogenic.

Literature cited by the submitters: PubMed 17200668 (cited by Labcorp Genetics (formerly Invitae), Labcorp); PubMed 17200671 (cited by Labcorp Genetics (formerly Invitae), Labcorp); PubMed 17200672 (cited by Labcorp Genetics (formerly Invitae), Labcorp); PubMed 24136930 (cited by Labcorp Genetics (formerly Invitae), Labcorp); PubMed 25099575 (cited by Labcorp Genetics (formerly Invitae), Labcorp); PubMed 37686625 (cited by Women's Health and Genetics/Laboratory Corporation of America, LabCorp and Ambry Genetics); PubMed 34793666 (cited by Ambry Genetics).

NM_024675.4(PALB2):c.228_229del (p.Ile76fs)

Gene: PALB2 (partner and localizer of BRCA2; minus strand). Cytogenetic location: 16p12.2.
Variant type: Microsatellite.
Coding change: c.228_229del on transcript NM_024675.4 (MANE Select); coding-DNA positions 228 to 229, 2 bases deleted (AT; older notation c.228_229delAT).
Protein change: p.Ile76fs; shifts the reading frame from isoleucine 76.
Molecular consequence: frameshift variant.
Genome position (GRCh38, 1-based): chr16:23,636,317-23,636,318, AT deleted on the plus strand (AT on the coding strand, the reverse complement: PALB2 is on the minus strand); deleting any 2 consecutive bases within chr16:23,636,317-23,636,320 gives the same sequence; the c. name uses the placement nearest the transcript's 3' end. VCF-style (leftmost placement, unchanged base first): chr16-23636316-CAT-C. GRCh37 (hg19) VCF-style: chr16-23647637-CAT-C.
Other names: c.228_229delAT (NM_024675.3, NM_024675.4); short protein forms I76fs.
Identifiers: ClinVar variation 496464 (VCV000496464.17), dbSNP rs1555461870, ClinGen allele CA658683925.